The following is an entry in ClinVar:

ClinVar aggregate classification (germline): Uncertain significance. Review status: criteria provided, multiple submitters, no conflicts (2 of 4 stars). 2 submissions from 2 submitters: Uncertain significance (2). Last evaluated 2024-10-29.

Conditions:
Familial thoracic aortic aneurysm and aortic dissection (TAAD). Also called: Thoracic aortic aneurysms and dissections. Identifiers: Orphanet 91387, MedGen C4707243, MONDO:0019625.
Congenital contractural arachnodactyly (CCA). Also called: Arthrogryposis, distal, type 9; BEALS SYNDROME; Beals-Hecht syndrome. Identifiers: Orphanet 115, MedGen C0220668, MONDO:0007363, OMIM 121050.

Allele frequency attached by ClinVar (database versions not stated): TOPMed 0.00001.
gnomAD v4.1: 8 of 1,581,260 alleles (0.00051%); highest among the groups gnomAD compares: Admixed American, 0.0017%; no homozygotes.

Submissions (2):

Ambry Genetics
Classification: Uncertain significance for Familial thoracic aortic aneurysm and aortic dissection. Last evaluated: 2024-10-29. Review status: criteria provided, single submitter. Criteria: Ambry Variant Classification Scheme 2023. Collection method: clinical testing. Allele origin: germline.
Comment: The p.P113L variant (also known as c.338C>T) is located in coding exon 3 of the FBN2 gene. The proline at codon 113 is replaced by leucine, an amino acid with similar properties. This change occurs in the first base pair of coding exon 3. This amino acid position is highly conserved in available vertebrate species. In addition, this alteration is predicted to be deleterious by in silico analysis. Based on the available evidence, the clinical significance of this variant remains unclear.

Labcorp Genetics (formerly Invitae), Labcorp
Classification: Uncertain significance for Congenital contractural arachnodactyly. Last evaluated: 2022-11-06. Review status: criteria provided, single submitter. Criteria: Invitae Variant Classification Sherloc (09022015). Collection method: clinical testing. Allele origin: germline.
Comment: In summary, the available evidence is currently insufficient to determine the role of this variant in disease. Therefore, it has been classified as a Variant of Uncertain Significance. Algorithms developed to predict the effect of sequence changes on RNA splicing suggest that this variant may disrupt the consensus splice site. Algorithms developed to predict the effect of missense changes on protein structure and function are either unavailable or do not agree on the potential impact of this missense change (SIFT: "Deleterious"; PolyPhen-2: "Not Available"; Align-GVGD: "Class C0"). This variant has not been reported in the literature in individuals affected with FBN2-related conditions. This variant is present in population databases (no rsID available, gnomAD 0.003%). This sequence change replaces proline, which is neutral and non-polar, with leucine, which is neutral and non-polar, at codon 113 of the FBN2 protein (p.Pro113Leu).

NM_001999.4(FBN2):c.338C>T (p.Pro113Leu)

Gene: FBN2 (fibrillin 2; minus strand). Cytogenetic location: 5q23.3.
Variant type: single nucleotide variant.
Coding change: c.338C>T on transcript NM_001999.4 (MANE Select); coding-DNA position 338, C replaced by T.
Protein change: p.Pro113Leu; replaces proline 113 with leucine.
Molecular consequence: missense variant.
Genome position (GRCh38, 1-based): chr5:128,530,693, G>A on the plus strand (C>T on the coding strand, the complement: FBN2 is on the minus strand). VCF-style: chr5-128530693-G-A. GRCh37 (hg19) VCF-style: chr5-127866386-G-A.
Other names: c.338C>T (NM_001999.3); short protein forms P113L.
Identifiers: ClinVar variation 2198594 (VCV002198594.5), dbSNP rs1188075267, ClinGen allele CA360759250.
Genomic context (GRCh38, chr5:128,530,693, plus strand): 5'-GAACAAGTACACATGTTAGGACGGGAACAAAATCCATCTCCACAACTATTTCTACAAATC[G>A]CTGTAGAAAGCACAATAGGAAAATGAATGAATAACTATATAATAAACCATAGTTTACAAA-3'
Protein context (NP_001990.2, residues 103-123): TLPGGNQCIV[Pro113Leu]ICRNSCGDGF